The following is an entry in ClinVar:

ClinVar aggregate classification (germline): Uncertain significance (1 of 4 stars; one submission).

Conditions:
Familial hemophagocytic lymphohistiocytosis 5. Also called: STXBP2-Related Familial Hemophagocytic Lymphohistiocytosis (STXBP2-fHLH). Identifiers: Orphanet 540, MedGen C2751293, MONDO:0013135, OMIM 613101.

Allele frequency attached by ClinVar (database versions not stated): gnomAD exomes below 0.00001; TOPMed 0.00002.
gnomAD v4.1: 2 of 1,614,174 alleles (0.00012%); highest among the groups gnomAD compares: Non-Finnish European, 0.00017%; no homozygotes.

Submission:

Labcorp Genetics (formerly Invitae), Labcorp
Classification: Uncertain significance for Familial hemophagocytic lymphohistiocytosis 5. Last evaluated: 2023-11-17. Review status: criteria provided, single submitter. Criteria: Invitae Variant Classification Sherloc (09022015). Collection method: clinical testing. Allele origin: germline.
Comment: This sequence change replaces threonine, which is neutral and polar, with methionine, which is neutral and non-polar, at codon 129 of the STXBP2 protein (p.Thr129Met). This variant is not present in population databases (gnomAD no frequency). This missense change has been observed in individual(s) with hemophagocytic lymphohistiocytosis (PMID: 29665027). Advanced modeling of protein sequence and biophysical properties (such as structural, functional, and spatial information, amino acid conservation, physicochemical variation, residue mobility, and thermodynamic stability) performed at Invitae indicates that this missense variant is expected to disrupt STXBP2 protein function with a positive predictive value of 80%. In summary, the available evidence is currently insufficient to determine the role of this variant in disease. Therefore, it has been classified as a Variant of Uncertain Significance.

Literature cited by the submitters: PubMed 29665027.

NM_006949.4(STXBP2):c.386C>T (p.Thr129Met)

Gene: STXBP2 (syntaxin binding protein 2; plus strand). Cytogenetic location: 19p13.2.
Variant type: single nucleotide variant.
Coding change: c.386C>T on transcript NM_006949.4 (MANE Select); coding-DNA position 386, C replaced by T.
Protein change: p.Thr129Met; replaces threonine 129 with methionine.
Molecular consequence: missense variant. On other transcripts: non-coding transcript variant (1).
Genome position (GRCh38, 1-based): chr19:7,640,960, C>T. VCF-style: chr19-7640960-C-T. GRCh37 (hg19) VCF-style: chr19-7705846-C-T.
Other names: c.377C>T, p.Thr126Met (NM_001127396.3); c.419C>T, p.Thr140Met (NM_001272034.2); c.290C>T, p.Thr97Met (NM_001414484.1); short protein forms T126M, T140M, T97M, T129M.
Identifiers: ClinVar variation 2910450 (VCV002910450.1), dbSNP rs2031848302, ClinGen allele CA403157689.
Genomic context (GRCh38, chr19:7,640,960, plus strand): 5'-CCTGCCCCGAGCCCCTGTTCAGTGAGCTAGGCCGCTCTCGTCTGGCAAAGGTGGTGAAGA[C>T]GTTGAAGGAGATTCACCTTGCCTTCCTCCCCTACGAGGCCCAGGTACGGCCCGGGCTCAT-3'
Protein context (NP_008880.2, residues 119-139): GRSRLAKVVK[Thr129Met]LKEIHLAFLP